The following is an entry in ClinVar:

ClinVar aggregate classification (germline): Uncertain significance (1 of 4 stars; one submission).

Conditions:
Long QT syndrome (LQTS). Identifiers: MedGen C0023976, MeSH D008133, MONDO:0002442. Disease mechanism: loss of function. Inheritance: Various modes of inheritance.

Submission:

Labcorp Genetics (formerly Invitae), Labcorp
Classification: Uncertain significance for Long QT syndrome. Last evaluated: 2025-10-04. Review status: criteria provided, single submitter. Criteria: Invitae Variant Classification Sherloc (09022015). Collection method: clinical testing. Allele origin: germline.
Comment: This sequence change replaces alanine, which is neutral and non-polar, with threonine, which is neutral and polar, at codon 940 of the ANK2 protein (p.Ala940Thr). This variant is not present in population databases (gnomAD no frequency). This variant has not been reported in the literature in individuals affected with ANK2-related conditions. Invitae Evidence Modeling of protein sequence and biophysical properties (such as structural, functional, and spatial information, amino acid conservation, physicochemical variation, residue mobility, and thermodynamic stability) indicates that this missense variant is not expected to disrupt ANK2 protein function with a negative predictive value of 80%. In summary, the available evidence is currently insufficient to determine the role of this variant in disease. Therefore, it has been classified as a Variant of Uncertain Significance.

NM_001148.6(ANK2):c.2818G>A (p.Ala940Thr)

Gene: ANK2 (ankyrin 2; plus strand). Cytogenetic location: 4q26.
Variant type: single nucleotide variant.
Coding change: c.2818G>A on transcript NM_001148.6 (MANE Select); coding-DNA position 2818, G replaced by A.
Protein change: p.Ala940Thr; replaces alanine 940 with threonine.
Molecular consequence: missense variant.
Genome position (GRCh38, 1-based): chr4:113,318,538, G>A. VCF-style: chr4-113318538-G-A. GRCh37 (hg19) VCF-style: chr4-114239694-G-A.
Other names: c.2860G>A, p.Ala954Thr (NM_001354231.2, NM_001354237.2, NM_001354242.2 and 1 more transcripts); c.2818G>A, p.Ala940Thr (NM_001354232.2, NM_001354258.2, NM_020977.5 and 1 more transcripts); c.2815G>A, p.Ala939Thr (NM_001354235.2, NM_001354236.2, NM_001354265.2 and 1 more transcripts); c.2752G>A, p.Ala918Thr (NM_001354239.2, NM_001386161.1, NM_001354244.2 and 3 more transcripts); c.2863G>A, p.Ala955Thr (NM_001354240.2, NM_001354241.2, NM_001386144.1); c.2656G>A, p.Ala886Thr (NM_001354257.2, NM_001354253.2, NM_001354270.2 and 1 more transcripts); c.2632G>A, p.Ala878Thr (NM_001354260.2, NM_001354271.2, NM_001386151.1); c.2776G>A, p.Ala926Thr (NM_001354261.2, NM_001386147.1); and 17 more; short protein forms A911T, A918T, A921T, A935T, A954T, A955T, A812T, A845T.
Identifiers: ClinVar variation 4781809 (VCV004781809.1).